The following is an entry in ClinVar:

ClinVar aggregate classification (germline): drug response (0 of 4 stars; one submission).

Conditions:
Thiopurine response. Identifiers: MedGen CN971394.

Allele frequency attached by ClinVar (database versions not stated): TOPMed 0.00001.
gnomAD v4.1: 20 of 1,613,904 alleles (0.0012%); highest among the groups gnomAD compares: Non-Finnish European, 0.0017%; 1 homozygote.

Submission:

Division of Drug Research, Linkoping University
Classification: drug response for Thiopurine response. Last evaluated: 2015-03-01. Review status: no assertion criteria provided. Collection method: clinical testing. Allele origin: germline. Affected: yes. Observed: 1 variant allele.

NM_000367.5(TPMT):c.262G>A (p.Gly88Ser)

Gene: TPMT (thiopurine S-methyltransferase; minus strand). Cytogenetic location: 6p22.3.
Variant type: single nucleotide variant.
Coding change: c.262G>A on transcript NM_000367.5 (MANE Select); coding-DNA position 262, G replaced by A.
Protein change: p.Gly88Ser; replaces glycine 88 with serine.
Molecular consequence: missense variant.
Genome position (GRCh38, 1-based): chr6:18,143,700, C>T on the plus strand (G>A on the coding strand, the complement: TPMT is on the minus strand). VCF-style: chr6-18143700-C-T. GRCh37 (hg19) VCF-style: chr6-18143931-C-T.
Other names: c.262G>A, p.Gly88Ser (NM_001346817.1, NM_001346818.1); short protein forms G88S.
Identifiers: ClinVar variation 625174 (VCV000625174.4), dbSNP rs753545734, ClinGen allele CA362838473.